The following is an entry in ClinVar:

ClinVar aggregate classification (germline): Uncertain significance (1 of 4 stars; one submission).

Conditions:
Early-infantile DEE. Also called: Ohtahara syndrome; Early infantile epileptic encephalopathy with suppression bursts; Early infantile epileptic encephalopathy. Identifiers: Orphanet 1934, MedGen C0393706, MONDO:0800491.

Allele frequency attached by ClinVar (database versions not stated): 1000 Genomes Project 30x 0.00031; gnomAD 0.00003; TOPMed 0.00003.
gnomAD v4.1: 24 of 1,613,354 alleles (0.0015%); highest among the groups gnomAD compares: East Asian, 0.0089%; no homozygotes.

Submission:

Labcorp Genetics (formerly Invitae), Labcorp
Classification: Uncertain significance for Early-infantile DEE. Last evaluated: 2024-06-12. Review status: criteria provided, single submitter. Criteria: Invitae Variant Classification Sherloc (09022015). Collection method: clinical testing. Allele origin: germline.
Comment: This sequence change replaces arginine, which is basic and polar, with histidine, which is basic and polar, at codon 658 of the ARHGEF15 protein (p.Arg658His). This variant is present in population databases (rs774959863, gnomAD 0.03%). This variant has not been reported in the literature in individuals affected with ARHGEF15-related conditions. ClinVar contains an entry for this variant (Variation ID: 1403224). An algorithm developed to predict the effect of missense changes on protein structure and function (PolyPhen-2) suggests that this variant is likely to be disruptive. In summary, the available evidence is currently insufficient to determine the role of this variant in disease. Therefore, it has been classified as a Variant of Uncertain Significance.

NM_173728.4(ARHGEF15):c.1973G>A (p.Arg658His)

Gene: ARHGEF15 (Rho guanine nucleotide exchange factor 15; plus strand). Cytogenetic location: 17p13.1.
Variant type: single nucleotide variant.
Coding change: c.1973G>A on transcript NM_173728.4 (MANE Select); coding-DNA position 1973, G replaced by A.
Protein change: p.Arg658His; replaces arginine 658 with histidine.
Molecular consequence: missense variant.
Genome position (GRCh38, 1-based): chr17:8,318,850, G>A. VCF-style: chr17-8318850-G-A. GRCh37 (hg19) VCF-style: chr17-8222168-G-A.
Other names: c.1973G>A, p.Arg658His (NM_025014.2); short protein forms R658H.
Identifiers: ClinVar variation 1403224 (VCV001403224.9), dbSNP rs774959863, ClinGen allele CA8375377.